The following is an entry in ClinVar:

NM_001378609.3(OTOGL):c.917C>T (p.Pro306Leu)

Gene: OTOGL (otogelin like; plus strand). Cytogenetic location: 12q21.31.
Variant type: single nucleotide variant.
Coding change: c.917C>T on transcript NM_001378609.3 (MANE Select); coding-DNA position 917, C replaced by T.
Protein change: p.Pro306Leu; replaces proline 306 with leucine.
Molecular consequence: missense variant.
Genome position (GRCh38, 1-based): chr12:80,238,950, C>T. VCF-style: chr12-80238950-C-T. GRCh37 (hg19) VCF-style: chr12-80632730-C-T.
Other names: c.917C>T, p.Pro306Leu (NM_001368062.3, NM_001378610.3, NM_173591.7); short protein forms P297L, P306L.
Identifiers: ClinVar variation 226977 (VCV000226977.45), dbSNP rs200050988, ClinGen allele CA6700298.

ClinVar aggregate classification (germline): Conflicting classifications of pathogenicity. Review status: criteria provided, conflicting classifications (1 of 4 stars). 6 submissions from 6 submitters: Uncertain significance (1); Benign (1); Likely benign (3). 1 of the submissions does not count toward it. Last evaluated 2026-08-25.

Conditions:
Inborn genetic diseases. Identifiers: MedGen C0950123, MeSH D030342.
OTOGL-related disorder. Also called: OTOGL-related condition.

Allele frequency attached by ClinVar (database versions not stated): TOPMed 0.00084; gnomAD 0.00116 and 0.00121; gnomAD exomes 0.00124 and 0.00139; 1000 Genomes Project 30x 0.00125; 1000 Genomes Project 0.00140; ESP Exome Variant Server 0.00141; ExAC 0.00189.
gnomAD v4.1: 2,217 of 1,597,446 alleles (0.14%); highest among the groups gnomAD compares: Non-Finnish European, 0.15%; 5 homozygotes.

Submissions (6):

GeneDx
Classification: Uncertain significance. Last evaluated: 2026-08-25. Review status: criteria provided, single submitter. Criteria: GeneDx Variant Classification Process June 2021. Collection method: clinical testing. Allele origin: germline.
Comment: Reported in a patient with hearing loss in published literature (PMID: 34410491); In silico analysis supports that this missense variant has a deleterious effect on protein structure/function; This variant is associated with the following publications: (PMID: 34410491)

CeGaT Center for Human Genetics Tuebingen
Classification: Likely benign. Last evaluated: 2026-04-01. Review status: criteria provided, single submitter. Criteria: CeGaT Center For Human Genetics Tuebingen Variant Classification Criteria Version 2. Collection method: clinical testing. Allele origin: germline. Affected: yes. Observed: 2 variant alleles.
Comment: OTOGL: BS2

Labcorp Genetics (formerly Invitae), Labcorp
Classification: Likely benign. Last evaluated: 2025-12-08. Review status: criteria provided, single submitter. Criteria: Invitae Variant Classification Sherloc (09022015). Collection method: clinical testing. Allele origin: germline.

Ambry Genetics
Classification: Likely benign for Inborn genetic diseases. Last evaluated: 2023-04-04. Review status: criteria provided, single submitter. Criteria: Ambry Variant Classification Scheme 2023. Collection method: clinical testing. Allele origin: germline.

Laboratory for Molecular Medicine, Mass General Brigham Personalized Medicine
Classification: Benign. Last evaluated: 2016-02-02. Review status: criteria provided, single submitter. Criteria: LMM Criteria. Collection method: clinical testing. Allele origin: germline. Observed: 1 variant allele.
Comment: p.Pro297Leu in exon 9 of OTOGL: This variant is not expected to have clinical si gnificance because it has been identified in 0.5% (28/5238) of Finnish and in 0. 3% (139/53648) of European chromosomes by the Exome Aggregation Consortium (ExAC; dbSNP rs200050988).

PreventionGenetics, part of Exact Sciences
Classification: Likely benign for OTOGL-related condition. Last evaluated: 2024-03-05. Review status: no assertion criteria provided. Collection method: clinical testing. Allele origin: germline. Not counted in ClinVar's aggregate classification.
Comment: This variant is classified as likely benign based on ACMG/AMP sequence variant interpretation guidelines (Richards et al. 2015 PMID: 25741868, with internal and published modifications).